The following is an entry in ClinVar:

ClinVar aggregate classification (germline): Pathogenic (1 of 4 stars; one submission).

Submission:

Labcorp Genetics (formerly Invitae), Labcorp
Classification: Pathogenic. Last evaluated: 2022-09-23. Review status: criteria provided, single submitter. Criteria: Invitae Variant Classification Sherloc (09022015). Collection method: clinical testing. Allele origin: germline.
Comment: This premature translational stop signal has been observed in individual(s) with hypophosphatemic rickets (PMID: 16636593). It has also been observed to segregate with disease in related individuals. This variant is also known as 1826_1830delAAAAG. ClinVar contains an entry for this variant (Variation ID: 1073483). For these reasons, this variant has been classified as Pathogenic. This variant is not present in population databases (gnomAD no frequency). This sequence change creates a premature translational stop signal (p.Glu609Valfs*2) in the PHEX gene. It is expected to result in an absent or disrupted protein product. Loss-of-function variants in PHEX are known to be pathogenic (PMID: 9097956, 9106524, 19219621).

Literature cited by the submitters: PubMed 16636593; PubMed 9097956; PubMed 9106524; PubMed 19219621.

NM_000444.6(PHEX):c.1826_1830del (p.Glu609fs)

Genes: PHEX (phosphate regulating endopeptidase X-linked; plus strand), PTCHD1-AS (PTCHD1 and PHEX antisense RNA; minus strand). Cytogenetic location: Xp22.11.
Variant type: Deletion.
Coding change: c.1826_1830del on transcript NM_000444.6 (MANE Select); coding-DNA positions 1826 to 1830, 5 bases deleted (AAAAG; older notation c.1826_1830delAAAAG).
Protein change: p.Glu609fs; shifts the reading frame from glutamic acid 609.
Molecular consequence: frameshift variant.
Genome position (GRCh38, 1-based): chrX:22,221,670-22,221,674, AAAAG deleted; deleting any 5 consecutive bases within chrX:22,221,667-22,221,674 gives the same sequence; the c. name uses the placement nearest the transcript's 3' end. VCF-style (leftmost placement, unchanged base first): chrX-22221666-GAAGAA-G. GRCh37 (hg19) VCF-style: chrX-22239783-GAAGAA-G.
Other names: c.1826_1830del, p.Glu609fs (NM_001282754.2); short protein forms E609fs.
Identifiers: ClinVar variation 1073483 (VCV001073483.9), dbSNP rs2147174479, ClinGen allele CA2499226583.